The following is an entry in ClinVar:

NM_138420.4(AHNAK2):c.4446C>T (p.Ala1482=)

Gene: AHNAK2 (AHNAK nucleoprotein 2; minus strand). Cytogenetic location: 14q32.33.
Variant type: single nucleotide variant.
Coding change: c.4446C>T on transcript NM_138420.4 (MANE Select); coding-DNA position 4446, C replaced by T.
Protein change: p.Ala1482=; no amino-acid change (alanine 1482 retained).
Molecular consequence: synonymous variant.
Genome position (GRCh38, 1-based): chr14:104,951,005, G>A on the plus strand (C>T on the coding strand, the complement: AHNAK2 is on the minus strand). VCF-style: chr14-104951005-G-A. GRCh37 (hg19) VCF-style: chr14-105417342-G-A.
Other names: c.4146C>T, p.Ala1382= (NM_001350929.2).
Identifiers: ClinVar variation 5039023 (VCV005039023.1).

ClinVar aggregate classification (germline): Likely benign (1 of 4 stars; one submission).

gnomAD v4.1: 151 of 1,062,014 alleles (0.014%); highest among the groups gnomAD compares: South Asian, 0.08%; 56 homozygotes.

Submission:

CeGaT Center for Human Genetics Tuebingen
Classification: Likely benign. Last evaluated: 2026-07-01. Review status: criteria provided, single submitter. Criteria: CeGaT Center For Human Genetics Tuebingen Variant Classification Criteria Version 2. Collection method: clinical testing. Allele origin: germline. Affected: yes. Observed: 1 variant allele.
Comment: AHNAK2: BP4, BP7, BS2